The following is an entry in ClinVar:

ClinVar aggregate classification (germline): Uncertain significance (1 of 4 stars; one submission).

Submission:

GeneDx
Classification: Uncertain significance. Last evaluated: 2024-06-21. Review status: criteria provided, single submitter. Criteria: GeneDx Variant Classification Process June 2021. Collection method: clinical testing. Allele origin: germline. Affected: yes.
Comment: Not observed at significant frequency in large population cohorts (gnomAD); In silico analysis supports that this missense variant has a deleterious effect on protein structure/function; Has not been previously published as pathogenic or benign to our knowledge

NM_007118.4(TRIO):c.3173C>T (p.Pro1058Leu)

Gene: TRIO (trio Rho guanine nucleotide exchange factor; plus strand). Cytogenetic location: 5p15.2.
Variant type: single nucleotide variant.
Coding change: c.3173C>T on transcript NM_007118.4 (MANE Select); coding-DNA position 3173, C replaced by T.
Protein change: p.Pro1058Leu; replaces proline 1058 with leucine.
Molecular consequence: missense variant. On other transcripts: non-coding transcript variant (1).
Genome position (GRCh38, 1-based): chr5:14,369,480, C>T. VCF-style: chr5-14369480-C-T. GRCh37 (hg19) VCF-style: chr5-14369589-C-T.
Other names: short protein forms P1058L.
Identifiers: ClinVar variation 3391707 (VCV003391707.1).